The following is an entry in ClinVar:

NM_001376.5(DYNC1H1):c.12788G>A (p.Arg4263His)

Gene: DYNC1H1 (dynein cytoplasmic 1 heavy chain 1; plus strand). Cytogenetic location: 14q32.31.
Variant type: single nucleotide variant.
Coding change: c.12788G>A on transcript NM_001376.5 (MANE Select); coding-DNA position 12788, G replaced by A.
Protein change: p.Arg4263His; replaces arginine 4263 with histidine.
Molecular consequence: missense variant.
Genome position (GRCh38, 1-based): chr14:102,044,377, G>A. VCF-style: chr14-102044377-G-A. GRCh37 (hg19) VCF-style: chr14-102510714-G-A.
Other names: short protein forms R4263H.
Identifiers: ClinVar variation 587832 (VCV000587832.14), dbSNP rs762441496, ClinGen allele CA7354034.

ClinVar aggregate classification (germline): Conflicting classifications of pathogenicity. Review status: criteria provided, conflicting classifications (1 of 4 stars). 2 submissions from 2 submitters: Uncertain significance (1); Likely benign (1). Last evaluated 2023-12-30.

Conditions:
Charcot-Marie-Tooth disease axonal type 2O. Also called: Charcot-Marie-Tooth Neuropathy Type 2O; CHARCOT-MARIE-TOOTH NEUROPATHY, AXONAL, TYPE 2O; CHARCOT-MARIE-TOOTH DISEASE, AXONAL, AUTOSOMAL DOMINANT, TYPE 2O; Charcot-Marie-Tooth disease, axonal, type 20. Identifiers: Orphanet 284232, MedGen C3280220, MONDO:0013644, OMIM 614228.
Inborn genetic diseases. Identifiers: MedGen C0950123, MeSH D030342.

Allele frequency attached by ClinVar (database versions not stated): gnomAD exomes below 0.00001; ExAC 0.00001; gnomAD 0.00003.
gnomAD v4.1: 2 of 1,614,094 alleles (0.00012%); highest among the groups gnomAD compares: Non-Finnish European, 0.000085%; no homozygotes.

Submissions (2):

Labcorp Genetics (formerly Invitae), Labcorp
Classification: Likely benign for Charcot-Marie-Tooth disease axonal type 2O. Last evaluated: 2023-12-30. Review status: criteria provided, single submitter. Criteria: Invitae Variant Classification Sherloc (09022015). Collection method: clinical testing. Allele origin: germline.

Ambry Genetics
Classification: Uncertain significance for Inborn genetic diseases. Last evaluated: 2016-05-06. Review status: criteria provided, single submitter. Criteria: Ambry Variant Classification Scheme 2023. Collection method: clinical testing. Allele origin: germline.
Comment: The p.R4263H variant (also known as c.12788G>A), located in coding exon 71 of the DYNC1H1 gene, results from a G to A substitution at nucleotide position 12788. The arginine at codon 4263 is replaced by histidine, an amino acid with highly similar properties. This variant was not reported in population based cohorts in the following databases: Database of Single Nucleotide Polymorphisms (dbSNP), NHLBI Exome Sequencing Project (ESP), and 1000 Genomes Project. In the ESP, this variant was not observed in 6503 samples (13006 alleles) with coverage at this position. This amino acid position is highly conserved in available vertebrate species. In addition, the in silico prediction for this alteration is inconclusive. Since supporting evidence is limited at this time, the clinical significance of this alteration remains unclear.